The following is an entry in ClinVar:

NM_018192.4(P3H2):c.1906C>T (p.Pro636Ser)

Gene: P3H2 (prolyl 3-hydroxylase 2; minus strand). Cytogenetic location: 3q28.
Variant type: single nucleotide variant.
Coding change: c.1906C>T on transcript NM_018192.4 (MANE Select); coding-DNA position 1906, C replaced by T.
Protein change: p.Pro636Ser; replaces proline 636 with serine.
Molecular consequence: missense variant.
Genome position (GRCh38, 1-based): chr3:189,964,086, G>A on the plus strand (C>T on the coding strand, the complement: P3H2 is on the minus strand). VCF-style: chr3-189964086-G-A. GRCh37 (hg19) VCF-style: chr3-189681875-G-A.
Other names: c.1363C>T, p.Pro455Ser (NM_001134418.2); short protein forms P636S, P455S.
Identifiers: ClinVar variation 842433 (VCV000842433.6), dbSNP rs780622871, ClinGen allele CA2752724.
Genomic context (GRCh38, chr3:189,964,086, plus strand): 5'-CCTTCACCCCATGAGGGTTCTCTCCTCCAGATGAGAAGCTGATCATGCGCCCACATTTTG[G>A]TTTTATAGAGGCCTGAGAAAGAAAGCAAAAATTAGACTTTCAATTGTTGTATCATAAACA-3'
Protein context (NP_060662.2, residues 626-646): DAKTVTASIK[Pro636Ser]KCGRMISFSS

ClinVar aggregate classification (germline): Uncertain significance. Review status: criteria provided, multiple submitters, no conflicts (2 of 4 stars). 2 submissions from 2 submitters: Uncertain significance (2). Last evaluated 2025-01-15.

Allele frequency attached by ClinVar (database versions not stated): gnomAD exomes 0.00008 and 0.00009; ExAC 0.00012; gnomAD 0.00013 and 0.00014; TOPMed 0.00013.
gnomAD v4.1: 148 of 1,613,980 alleles (0.0092%); highest among the groups gnomAD compares: Non-Finnish European, 0.012%; no homozygotes.

Submissions (2):

Labcorp Genetics (formerly Invitae), Labcorp
Classification: Uncertain significance. Last evaluated: 2025-01-15. Review status: criteria provided, single submitter. Criteria: Invitae Variant Classification Sherloc (09022015). Collection method: clinical testing. Allele origin: germline.
Comment: This sequence change replaces proline, which is neutral and non-polar, with serine, which is neutral and polar, at codon 636 of the P3H2 protein (p.Pro636Ser). This variant is present in population databases (rs780622871, gnomAD 0.02%). This missense change has been observed in individual(s) with retinal dystrophy (PMID: 28224992). ClinVar contains an entry for this variant (Variation ID: 842433). Invitae Evidence Modeling of protein sequence and biophysical properties (such as structural, functional, and spatial information, amino acid conservation, physicochemical variation, residue mobility, and thermodynamic stability) indicates that this missense variant is expected to disrupt P3H2 protein function with a positive predictive value of 80%. In summary, the available evidence is currently insufficient to determine the role of this variant in disease. Therefore, it has been classified as a Variant of Uncertain Significance.

Blueprint Genetics
Classification: Uncertain significance. Last evaluated: 2024-10-14. Review status: criteria provided, single submitter. Criteria: ACMG Guidelines, 2015. Collection method: clinical testing. Allele origin: germline.

Literature cited by the submitters: PubMed 28224992 (cited by Labcorp Genetics (formerly Invitae), Labcorp).